The following is an entry in ClinVar:

NM_203447.4(DOCK8):c.1597T>C (p.Phe533Leu)

Gene: DOCK8 (dedicator of cytokinesis 8; plus strand). Cytogenetic location: 9p24.3.
Variant type: single nucleotide variant.
Coding change: c.1597T>C on transcript NM_203447.4 (MANE Select); coding-DNA position 1597, T replaced by C.
Protein change: p.Phe533Leu; replaces phenylalanine 533 with leucine.
Molecular consequence: missense variant.
Genome position (GRCh38, 1-based): chr9:340,239, T>C. VCF-style: chr9-340239-T-C. GRCh37 (hg19) VCF-style: chr9-340239-T-C.
Other names: c.1393T>C, p.Phe465Leu (NM_001190458.2, NM_001193536.2); short protein forms F465L, F533L.
Identifiers: ClinVar variation 1943304 (VCV001943304.5), dbSNP rs765698259, ClinGen allele CA4957798.

ClinVar aggregate classification (germline): Uncertain significance (1 of 4 stars; one submission).

Conditions:
Combined immunodeficiency due to DOCK8 deficiency (HIES2). Also called: DOCK8 Deficiency; HIES autosomal recessive; Hyper-IgE recurrent infection syndrome, autosomal recessive; HYPER-IgE RECURRENT INFECTION SYNDROME 2, AUTOSOMAL RECESSIVE; HYPER-IgE SYNDROME 2, AUTOSOMAL RECESSIVE, WITH RECURRENT INFECTIONS. Identifiers: Orphanet 217390, MedGen C4722305, MONDO:0009478, OMIM 243700.

Allele frequency attached by ClinVar (database versions not stated): gnomAD exomes below 0.00001; TOPMed below 0.00001; ExAC 0.00002.
gnomAD v4.1: 5 of 1,614,208 alleles (0.00031%); highest among the groups gnomAD compares: South Asian, 0.0044%; no homozygotes.

Submission:

Labcorp Genetics (formerly Invitae), Labcorp
Classification: Uncertain significance for Combined immunodeficiency due to DOCK8 deficiency. Last evaluated: 2024-02-24. Review status: criteria provided, single submitter. Criteria: Invitae Variant Classification Sherloc (09022015). Collection method: clinical testing. Allele origin: germline.
Comment: This sequence change replaces phenylalanine, which is neutral and non-polar, with leucine, which is neutral and non-polar, at codon 533 of the DOCK8 protein (p.Phe533Leu). This variant is present in population databases (rs765698259, gnomAD 0.006%). This variant has not been reported in the literature in individuals affected with DOCK8-related conditions. ClinVar contains an entry for this variant (Variation ID: 1943304). Advanced modeling of protein sequence and biophysical properties (such as structural, functional, and spatial information, amino acid conservation, physicochemical variation, residue mobility, and thermodynamic stability) performed at Invitae indicates that this missense variant is not expected to disrupt DOCK8 protein function with a negative predictive value of 80%. In summary, the available evidence is currently insufficient to determine the role of this variant in disease. Therefore, it has been classified as a Variant of Uncertain Significance.